The following is an entry in ClinVar:

NM_003070.5(SMARCA2):c.1297G>C (p.Glu433Gln)

Gene: SMARCA2 (SWI/SNF related BAF chromatin remodeling complex subunit ATPase 2; plus strand). Cytogenetic location: 9p24.3.
Variant type: single nucleotide variant.
Coding change: c.1297G>C on transcript NM_003070.5 (MANE Select); coding-DNA position 1297, G replaced by C.
Protein change: p.Glu433Gln; replaces glutamic acid 433 with glutamine.
Molecular consequence: missense variant.
Genome position (GRCh38, 1-based): chr9:2,056,795, G>C. VCF-style: chr9-2056795-G-C. GRCh37 (hg19) VCF-style: chr9-2056795-G-C.
Other names: c.1297G>C, p.Glu433Gln (NM_001289396.2, NM_001289397.2, NM_139045.4); short protein forms E433Q.
Identifiers: ClinVar variation 4823303 (VCV004823303.4).

ClinVar aggregate classification (germline): Uncertain significance (1 of 4 stars; one submission).

Submission:

CeGaT Center for Human Genetics Tuebingen
Classification: Uncertain significance. Last evaluated: 2026-02-01. Review status: criteria provided, single submitter. Criteria: CeGaT Center For Human Genetics Tuebingen Variant Classification Criteria Version 2. Collection method: clinical testing. Allele origin: germline. Affected: yes. Observed: 1 variant allele.
Comment: SMARCA2: PM2, PP2, PP3